The following is an entry in ClinVar:

ClinVar aggregate classification (germline): Uncertain significance (1 of 4 stars; one submission).

Conditions:
Charcot-Marie-Tooth disease axonal type 2C (HMSN2C). Also called: CHARCOT-MARIE-TOOTH DISEASE, AXONAL, AUTOSOMAL DOMINANT, TYPE 2C; Charcot-Marie-Tooth Neuropathy Type 2C; Charcot-Marie-Tooth Disease Type 2, TRPV4-Related (CMT2C). Identifiers: Orphanet 99937, MedGen C1853710, MONDO:0011633, OMIM 606071.

Submission:

Labcorp Genetics (formerly Invitae), Labcorp
Classification: Uncertain significance for Charcot-Marie-Tooth disease axonal type 2C. Last evaluated: 2022-05-29. Review status: criteria provided, single submitter. Criteria: Invitae Variant Classification Sherloc (09022015). Collection method: clinical testing. Allele origin: germline.
Comment: In summary, the available evidence is currently insufficient to determine the role of this variant in disease. Therefore, it has been classified as a Variant of Uncertain Significance. Advanced modeling of protein sequence and biophysical properties (such as structural, functional, and spatial information, amino acid conservation, physicochemical variation, residue mobility, and thermodynamic stability) performed at Invitae indicates that this missense variant is expected to disrupt TRPV4 protein function. This sequence change replaces glycine, which is neutral and non-polar, with aspartic acid, which is acidic and polar, at codon 221 of the TRPV4 protein (p.Gly221Asp). This variant is not present in population databases (gnomAD no frequency). This variant has not been reported in the literature in individuals affected with TRPV4-related conditions.

NM_021625.5(TRPV4):c.662G>A (p.Gly221Asp)

Gene: TRPV4 (transient receptor potential cation channel subfamily V member 4; minus strand). Cytogenetic location: 12q24.11.
Variant type: single nucleotide variant.
Coding change: c.662G>A on transcript NM_021625.5 (MANE Select); coding-DNA position 662, G replaced by A.
Protein change: p.Gly221Asp; replaces glycine 221 with aspartic acid.
Molecular consequence: missense variant.
Genome position (GRCh38, 1-based): chr12:109,803,041, C>T on the plus strand (G>A on the coding strand, the complement: TRPV4 is on the minus strand). VCF-style: chr12-109803041-C-T. GRCh37 (hg19) VCF-style: chr12-110240846-C-T.
Other names: c.662G>A, p.Gly221Asp (NM_001177428.2, NM_001177433.2, NM_147204.3); c.560G>A, p.Gly187Asp (NM_001177431.2); short protein forms G221D, G187D.
Identifiers: ClinVar variation 2000342 (VCV002000342.4), dbSNP rs2548767825, ClinGen allele CA386656073.